The following is an entry in ClinVar:

NM_001005242.3(PKP2):c.2326C>A (p.Gln776Lys)

Gene: PKP2 (plakophilin 2; minus strand). Cytogenetic location: 12p11.21.
Variant type: single nucleotide variant.
Coding change: c.2326C>A on transcript NM_001005242.3 (MANE Select); coding-DNA position 2326, C replaced by A.
Protein change: p.Gln776Lys; replaces glutamine 776 with lysine.
Molecular consequence: missense variant.
Genome position (GRCh38, 1-based): chr12:32,796,140, G>T on the plus strand (C>A on the coding strand, the complement: PKP2 is on the minus strand). VCF-style: chr12-32796140-G-T. GRCh37 (hg19) VCF-style: chr12-32949074-G-T.
Other names: c.2161C>A, p.Gln721Lys (NM_001407156.1); c.1999C>A, p.Gln667Lys (NM_001407158.1, NM_001407159.1); c.2458C>A, p.Gln820Lys (NM_004572.4); short protein forms Q776K, Q667K, Q721K, Q820K.
Identifiers: ClinVar variation 2084667 (VCV002084667.4), dbSNP rs2541189871, ClinGen allele CA384357585.

ClinVar aggregate classification (germline): Uncertain significance (1 of 4 stars; one submission).

Conditions:
Arrhythmogenic right ventricular dysplasia 9 (ARVD9). Also called: Arrhythmogenic Right Ventricular Dysplasia/Cardiomyopathy 9; ARRHYTHMOGENIC RIGHT VENTRICULAR DYSPLASIA, FAMILIAL, 9. Identifiers: MedGen C1836906, MONDO:0012180, OMIM 609040.

gnomAD v4.1: 1 of 1,614,050 alleles (0.000062%); highest among the groups gnomAD compares: African/African-American, 0.0013%; no homozygotes.

Submission:

Labcorp Genetics (formerly Invitae), Labcorp
Classification: Uncertain significance for Arrhythmogenic right ventricular dysplasia 9. Last evaluated: 2022-03-17. Review status: criteria provided, single submitter. Criteria: Invitae Variant Classification Sherloc (09022015). Collection method: clinical testing. Allele origin: germline.
Comment: This sequence change replaces glutamine, which is neutral and polar, with lysine, which is basic and polar, at codon 820 of the PKP2 protein (p.Gln820Lys). This variant is not present in population databases (gnomAD no frequency). This variant has not been reported in the literature in individuals affected with PKP2-related conditions. Algorithms developed to predict the effect of missense changes on protein structure and function (SIFT, PolyPhen-2, Align-GVGD) all suggest that this variant is likely to be tolerated. In summary, the available evidence is currently insufficient to determine the role of this variant in disease. Therefore, it has been classified as a Variant of Uncertain Significance.